The following is an entry in ClinVar:

NM_003001.5(SDHC):c.501A>G (p.Ala167=)

Gene: SDHC (succinate dehydrogenase complex subunit C; plus strand). Cytogenetic location: 1q23.3.
Variant type: single nucleotide variant.
Coding change: c.501A>G on transcript NM_003001.5 (MANE Select); coding-DNA position 501, A replaced by G.
Protein change: p.Ala167=; no amino-acid change (alanine 167 retained).
Molecular consequence: synonymous variant. On other transcripts: missense variant (3), non-coding transcript variant (1).
Genome position (GRCh38, 1-based): chr1:161,362,424, A>G. VCF-style: chr1-161362424-A-G. GRCh37 (hg19) VCF-style: chr1-161332214-A-G.
Other names: c.337A>G, p.Ser113Gly (NM_001035511.3); c.399A>G, p.Ala133= (NM_001035512.3); c.342A>G, p.Ala114= (NM_001035513.3); c.235A>G, p.Ser79Gly (NM_001278172.3); c.621A>G, p.Ala207= (NM_001407115.1); c.444A>G, p.Ala148= (NM_001407116.1); c.438A>G, p.Ala146= (NM_001407117.1); c.393A>G, p.Ala131= (NM_001407118.1); and 2 more; short protein forms S113G, S94G, S79G.
Identifiers: ClinVar variation 5029341 (VCV005029341.1).

ClinVar aggregate classification (germline): Uncertain significance (1 of 4 stars; one submission).

Conditions:
Hereditary cancer-predisposing syndrome. Also called: Neoplastic Syndromes, Hereditary; Tumor predisposition; Hereditary neoplastic syndrome; Hereditary Cancer Syndrome. Identifiers: Orphanet 140162, MedGen C0027672, MeSH D009386, MONDO:0015356.

Submission:

Ambry Genetics
Classification: Uncertain significance for Hereditary cancer-predisposing syndrome. Last evaluated: 2026-07-06. Review status: criteria provided, single submitter. Criteria: Ambry Variant Classification Scheme 2023. Collection method: clinical testing. Allele origin: germline.
Comment: The p.S113G variant (also known as c.337A>G), located in coding exon 5 of the SDHC gene, results from an A to G substitution at nucleotide position 337. The serine at codon 113 is replaced by glycine, an amino acid with similar properties. This amino acid position is conserved. In addition, this alteration is predicted to be deleterious by in silico analysis. Based on the available evidence, the clinical significance of this variant remains unclear.